The following is an entry in ClinVar:

NM_019098.5(CNGB3):c.1810C>T (p.Arg604Ter)

Gene: CNGB3 (cyclic nucleotide gated channel subunit beta 3; minus strand). Cytogenetic location: 8q21.3.
Variant type: single nucleotide variant.
Coding change: c.1810C>T on transcript NM_019098.5 (MANE Select); coding-DNA position 1810, C replaced by T.
Protein change: p.Arg604Ter; replaces arginine 604 with a stop codon.
Molecular consequence: nonsense.
Genome position (GRCh38, 1-based): chr8:86,579,224, G>A on the plus strand (C>T on the coding strand, the complement: CNGB3 is on the minus strand). VCF-style: chr8-86579224-G-A. GRCh37 (hg19) VCF-style: chr8-87591452-G-A.
Other names: short protein forms R604*.
Identifiers: ClinVar variation 438042 (VCV000438042.16), dbSNP rs200805087, ClinGen allele CA4799889.
Genomic context (GRCh38, chr8:86,579,224, plus strand): 5'-GGGTCTTTTTGTCTAGAGTTAAAAGATTGGCAAACCCGTGGGCCACCACATTGGCAGTTC[G>A]ACGGTTTCCTCCTCCTGCTGCTAGAAGGCTGTAAGAGAGAAAAATGAGTCTTTGCCACCA-3'

ClinVar aggregate classification (germline): Pathogenic. Review status: criteria provided, multiple submitters, no conflicts (2 of 4 stars). 7 submissions from 7 submitters: Pathogenic (5). 2 of the submissions do not count toward it. Last evaluated 2025-11-17.

Conditions:
CNGB3-related disorder. Also called: CNGB3-related condition; CNGB3-related disorders. Identifiers: MedGen CN239340.
Abnormality of the eye. Identifiers: MedGen C4316870, HP:0000478.
Achromatopsia 3 (ACHM3). Also called: ACHROMATOPSIA WITH MYOPIA; TOTAL COLORBLINDNESS WITH MYOPIA; ROD MONOCHROMACY 1; ROD MONOCHROMATISM 1; PINGELAPESE BLINDNESS. Identifiers: Orphanet 49382, MedGen C1849792, MONDO:0009875, OMIM 262300.
Achromatopsia. Also called: Rod monochromatism. Identifiers: Orphanet 49382, MedGen C0152200, MONDO:0018852, HP:0011516.

Allele frequency attached by ClinVar (database versions not stated): gnomAD exomes below 0.00001 and 0.00001; gnomAD 0.00001 and 0.00002; ExAC 0.00002; TOPMed 0.00002; 1000 Genomes Project 30x 0.00016; 1000 Genomes Project 0.00020.
gnomAD v4.1: 8 of 1,614,094 alleles (0.0005%); highest among the groups gnomAD compares: African/African-American, 0.0053%; no homozygotes.

Submissions (7):

Dasa
Classification: Pathogenic. Last evaluated: 2025-11-17. Review status: criteria provided, single submitter. Criteria: DASA Assertion Criteria. Collection method: clinical testing. Allele origin: germline.
Comment: NM_019098.5(CNGB3):c.1810C>T (p.Arg604*) introduces a premature termination codon predicted to result in loss of normal protein function. Loss-of-function is an established mechanism of disease for this gene. This variant has been recurrently observed in individuals with related phenotype (PMID: 28041643; PMID: 37372476; PMID: 38219857; PMID: 37158316). The variant is present at low frequency in population datasets. Based on the available data, this variant is classified as pathogenic.

Natera, Inc.
Classification: Pathogenic for Achromatopsia. Last evaluated: 2025-08-14. Review status: criteria provided, single submitter. Criteria: Natera Variant Classification Schema (03/2026). Collection method: clinical testing. Allele origin: germline.
Comment: The c.1810C>T variant in CNGB3 is a nonsense variant predicted to introduce a stop codon at amino acid 604. This variant is expected to result in nonsense mediated decay, truncation, or a dysfunctional protein product. This variant is rare in the general population with a frequency below the threshold expected for the associated phenotype(s). This variant has been observed in one or more individuals affected with the associated recessive disease, as either homozygous or compound heterozygous with a second variant (PMID: 32340307, 32641690). Given the available evidence, this variant is classified as Pathogenic.

Blueprint Genetics
Classification: Pathogenic for CNGB3-related disorders. Last evaluated: 2024-09-13. Review status: criteria provided, single submitter. Criteria: ACMG Guidelines, 2015. Collection method: clinical testing. Allele origin: germline. Affected: yes. Observed: 5 variant alleles.

Labcorp Genetics (formerly Invitae), Labcorp
Classification: Pathogenic. Last evaluated: 2024-03-16. Review status: criteria provided, single submitter. Criteria: Invitae Variant Classification Sherloc (09022015). Collection method: clinical testing. Allele origin: germline.
Comment: This sequence change creates a premature translational stop signal (p.Arg604*) in the CNGB3 gene. It is expected to result in an absent or disrupted protein product. Loss-of-function variants in CNGB3 are known to be pathogenic (PMID: 28795510). This variant is present in population databases (rs200805087, gnomAD 0.006%). This variant has not been reported in the literature in individuals affected with CNGB3-related conditions. ClinVar contains an entry for this variant (Variation ID: 438042). For these reasons, this variant has been classified as Pathogenic.

Mendelics
Classification: Pathogenic for Achromatopsia 3. Last evaluated: 2019-05-28. Review status: criteria provided, single submitter. Criteria: Mendelics Assertion Criteria 2017. Collection method: clinical testing. Allele origin: unknown.

PreventionGenetics, part of Exact Sciences
Classification: Pathogenic for CNGB3-related condition. Last evaluated: 2024-08-29. Review status: no assertion criteria provided. Collection method: clinical testing. Allele origin: germline. Not counted in ClinVar's aggregate classification.
Comment: The CNGB3 c.1810C>T variant is predicted to result in premature protein termination (p.Arg604*). This variant has been reported in the homozygous state in individuals with achromatopsia or unspecified retinal disease (Table S2, Carss et al. 2017. PubMed ID: 28041643; Amaral et al. 2023. PubMed ID: 37372476; Table S1, Lin et al. 2024. PubMed ID: 38219857; Hizem et al. 2024. PubMed ID: 37158316). This variant is reported in 0.0058% of alleles in individuals of Latino descent in gnomAD. Nonsense variants in CNGB3 are an established mechanism of disease. This variant is interpreted as pathogenic.

NIHR Bioresource Rare Diseases, University of Cambridge
Classification: Likely pathogenic for Disorder of eye. Last evaluated: 2015-01-01. Review status: no assertion criteria provided. Collection method: research. Allele origin: unknown. Affected: yes. Observed: 1 variant allele. Not counted in ClinVar's aggregate classification.
Comment: Undetermined rare ocular disorder with frequency of less than eight patients

Literature cited by the submitters: PubMed 28041643 (cited by Dasa and NIHR Bioresource Rare Diseases, University of Cambridge); PubMed 37372476 (cited by Dasa); PubMed 38219857 (cited by Dasa); PubMed 37158316 (cited by Dasa); PubMed 32340307 (cited by Natera, Inc.); PubMed 32641690 (cited by Natera, Inc.); PubMed 28795510 (cited by Labcorp Genetics (formerly Invitae), Labcorp).